The following is an entry in ClinVar:

ClinVar aggregate classification (germline): Uncertain significance. Review status: criteria provided, multiple submitters, no conflicts (2 of 4 stars). 4 submissions from 4 submitters: Uncertain significance (4). Last evaluated 2026-01-05.

Conditions:
Inborn genetic diseases. Identifiers: MedGen C0950123, MeSH D030342.

Allele frequency attached by ClinVar (database versions not stated): gnomAD exomes 0.00006 and 0.00021; ExAC 0.00012; 1000 Genomes Project 30x 0.00016; gnomAD 0.00017 and 0.00019; 1000 Genomes Project 0.00020; TOPMed 0.00022.
gnomAD v4.1: 132 of 1,614,176 alleles (0.0082%); highest among the groups gnomAD compares: Admixed American, 0.12%; no homozygotes.

Submissions (4):

Labcorp Genetics (formerly Invitae), Labcorp
Classification: Uncertain significance. Last evaluated: 2026-01-05. Review status: criteria provided, single submitter. Criteria: Invitae Variant Classification Sherloc (09022015). Collection method: clinical testing. Allele origin: germline.
Comment: This sequence change replaces lysine, which is basic and polar, with arginine, which is basic and polar, at codon 187 of the PARS2 protein (p.Lys187Arg). This variant is present in population databases (rs193204977, gnomAD 0.1%). This missense change has been observed in individual(s) with clinical features of PARS2-related conditions (PMID: 35012964, 38469956). ClinVar contains an entry for this variant (Variation ID: 1191474). An algorithm developed to predict the effect of missense changes on protein structure and function (PolyPhen-2) suggests that this variant is likely to be disruptive. In summary, the available evidence is currently insufficient to determine the role of this variant in disease. Therefore, it has been classified as a Variant of Uncertain Significance.

GeneDx
Classification: Uncertain significance. Last evaluated: 2025-06-18. Review status: criteria provided, single submitter. Criteria: GeneDx Variant Classification Process June 2021. Collection method: clinical testing. Allele origin: germline. Affected: yes.
Comment: In silico analysis supports that this missense variant has a deleterious effect on protein structure/function; This variant is associated with the following publications: (PMID: 38469956, 35012964)

Blueprint Genetics
Classification: Uncertain significance. Last evaluated: 2024-11-06. Review status: criteria provided, single submitter. Criteria: ACMG Guidelines, 2015. Collection method: clinical testing. Allele origin: germline.

Ambry Genetics
Classification: Uncertain significance for Inborn genetic diseases. Last evaluated: 2021-08-10. Review status: criteria provided, single submitter. Criteria: Ambry Variant Classification Scheme 2023. Collection method: clinical testing. Allele origin: germline.

Literature cited by the submitters: PubMed 35012964 (cited by Labcorp Genetics (formerly Invitae), Labcorp); PubMed 38469956 (cited by Labcorp Genetics (formerly Invitae), Labcorp).

NM_152268.4(PARS2):c.560A>G (p.Lys187Arg)

Gene: PARS2 (prolyl-tRNA synthetase 2, mitochondrial; minus strand). Cytogenetic location: 1p32.3.
Variant type: single nucleotide variant.
Coding change: c.560A>G on transcript NM_152268.4 (MANE Select); coding-DNA position 560, A replaced by G.
Protein change: p.Lys187Arg; replaces lysine 187 with arginine.
Molecular consequence: missense variant.
Genome position (GRCh38, 1-based): chr1:54,758,602, T>C on the plus strand (A>G on the coding strand, the complement: PARS2 is on the minus strand). VCF-style: chr1-54758602-T-C. GRCh37 (hg19) VCF-style: chr1-55224275-T-C.
Other names: short protein forms K187R.
Identifiers: ClinVar variation 1191474 (VCV001191474.9), dbSNP rs193204977, ClinGen allele CA869454.